The following is an entry in ClinVar:

ClinVar aggregate classification (germline): Benign (1 of 4 stars; one submission).

Allele frequency attached by ClinVar (database versions not stated): gnomAD 0.13427 and 0.13644; 1000 Genomes Project 0.17133.
gnomAD v4.1: 18,970 of 140,476 alleles (14%); highest among the groups gnomAD compares: East Asian, 22%; 368 homozygotes.

Submission:

GeneDx
Classification: Benign. Last evaluated: 2018-06-14. Review status: criteria provided, single submitter. Criteria: GeneDx Variant Classification (06012015). Collection method: clinical testing. Allele origin: germline. Affected: yes.
Comment: This variant is considered likely benign or benign based on one or more of the following criteria: it is a conservative change, it occurs at a poorly conserved position in the protein, it is predicted to be benign by multiple in silico algorithms, and/or has population frequency not consistent with disease.

NM_000093.5(COL5A1):c.1662+252G>A

Gene: COL5A1 (collagen type V alpha 1 chain; plus strand). Cytogenetic location: 9q34.3.
Variant type: single nucleotide variant.
Coding change: c.1662+252G>A on transcript NM_000093.5 (MANE Select); 252 bases into the intron after coding-DNA position 1662, G replaced by A.
Molecular consequence: intron variant.
Genome position (GRCh38, 1-based): chr9:134,751,134, G>A. VCF-style: chr9-134751134-G-A. GRCh37 (hg19) VCF-style: chr9-137642980-G-A.
Other names: c.1662+252G>A (NM_001278074.1).
Identifiers: ClinVar variation 683380 (VCV000683380.1), dbSNP rs12345547, ClinGen allele CA13021975.
Genomic context (GRCh38, chr9:134,751,134, plus strand): 5'-ATGTCAGTGTCCAGTAGGGGCTCTGAGAGCATGTCAGTGTCCAGTAGGGGCCCCGAGAGC[G>A]TGTCACTGTCCAGTAGGGACCCCGAGAGCGTGTCACTGTCCAGTAGGGACCCCGAGAGCG-3'